The following is an entry in ClinVar:

ClinVar aggregate classification (germline): Likely benign (0 of 4 stars; one submission).

Conditions:
AP1B1-related disorder. Also called: AP1B1-related condition.

Allele frequency attached by ClinVar (database versions not stated): 1000 Genomes Project 30x 0.00141; gnomAD exomes 0.00012; gnomAD 0.00031; 1000 Genomes Project 0.00160; ExAC 0.00039.
gnomAD v4.1: 380 of 1,614,174 alleles (0.024%); highest among the groups gnomAD compares: East Asian, 0.37%; 7 homozygotes.

Submissions (2):

PreventionGenetics, part of Exact Sciences
Classification: Likely benign for AP1B1-related condition. Last evaluated: 2022-02-14. Review status: no assertion criteria provided. Collection method: clinical testing. Allele origin: germline.
Comment: This variant is classified as likely benign based on ACMG/AMP sequence variant interpretation guidelines (Richards et al. 2015 PMID: 25741868, with internal and published modifications).

Dr. Peter K. Rogan Lab, Western University
No classification provided (evidence only). Condition: Malignant tumor of urinary bladder. Review status: no classification provided. Collection method: in vitro. Allele origin: not applicable. Functional consequence: skipped exon. Not counted in ClinVar's aggregate classification.

NM_001127.4(AP1B1):c.1735A>G (p.Ser579Gly)

Gene: AP1B1 (adaptor related protein complex 1 subunit beta 1; minus strand). Cytogenetic location: 22q12.2.
Variant type: single nucleotide variant.
Coding change: c.1735A>G on transcript NM_001127.4 (MANE Select); coding-DNA position 1735, A replaced by G.
Protein change: p.Ser579Gly; replaces serine 579 with glycine.
Molecular consequence: missense variant.
Genome position (GRCh38, 1-based): chr22:29,341,562, T>C on the plus strand (A>G on the coding strand, the complement: AP1B1 is on the minus strand). VCF-style: chr22-29341562-T-C. GRCh37 (hg19) VCF-style: chr22-29737551-T-C.
Other names: NC_000022.10:g.29737551T>C; c.1735A>G, p.Ser579Gly (NM_001166019.2, NM_001378562.1, NM_001378563.1 and 1 more transcripts); c.1564A>G, p.Ser522Gly (NM_001378564.1, NM_001378565.1); c.1735A>G, p.Met579Val (NM_001378566.1); short protein forms M579V, S522G, S579G.
Identifiers: ClinVar variation 3034306 (VCV003034306.3), dbSNP rs200628910, ClinGen allele CA10173061.
Genomic context (GRCh38, chr22:29,341,562, plus strand): 5'-AGGCCGTGCGAGGTGGCAGGCTCTTGTGCACGACGCCCCGGCCCCCCTCCACAAAGGCAC[T>C]GGGAGGCTTATGGTAGACGGAAGCCAGCGTGCCGATGTAGCAGATAAGCTCGTCTAACAG-3'
Protein context (NP_001118.3, residues 569-589): TLASVYHKPP[Ser579Gly]AFVEGGRGVV